The following is an entry in ClinVar:

ClinVar aggregate classification (germline): Uncertain significance. Review status: criteria provided, multiple submitters, no conflicts (2 of 4 stars). 2 submissions from 2 submitters: Uncertain significance (2). Last evaluated 2025-04-14.

Allele frequency attached by ClinVar (database versions not stated): gnomAD exomes below 0.00001.

Submissions (2):

Ambry Genetics
Classification: Uncertain significance. Last evaluated: 2025-04-14. Review status: criteria provided, single submitter. Criteria: Ambry Variant Classification Scheme 2023. Collection method: clinical testing. Allele origin: germline.

Labcorp Genetics (formerly Invitae), Labcorp
Classification: Uncertain significance. Last evaluated: 2022-08-16. Review status: criteria provided, single submitter. Criteria: Invitae Variant Classification Sherloc (09022015). Collection method: clinical testing. Allele origin: germline.
Comment: In summary, the available evidence is currently insufficient to determine the role of this variant in disease. Therefore, it has been classified as a Variant of Uncertain Significance. Algorithms developed to predict the effect of missense changes on protein structure and function are either unavailable or do not agree on the potential impact of this missense change (SIFT: "Deleterious"; PolyPhen-2: "Benign"; Align-GVGD: "Class C0"). ClinVar contains an entry for this variant (Variation ID: 1370132). This variant has not been reported in the literature in individuals affected with SAMD11-related conditions. This variant is not present in population databases (gnomAD no frequency). This sequence change replaces valine, which is neutral and non-polar, with leucine, which is neutral and non-polar, at codon 307 of the SAMD11 protein (p.Val307Leu).

NM_001385641.1(SAMD11):c.1408G>C (p.Val470Leu)

Gene: SAMD11 (sterile alpha motif domain containing 11; plus strand). Cytogenetic location: 1p36.33.
Variant type: single nucleotide variant.
Coding change: c.1408G>C on transcript NM_001385641.1 (MANE Select); coding-DNA position 1408, G replaced by C.
Protein change: p.Val470Leu; replaces valine 470 with leucine.
Molecular consequence: missense variant.
Genome position (GRCh38, 1-based): chr1:942,185, G>C. VCF-style: chr1-942185-G-C. GRCh37 (hg19) VCF-style: chr1-877565-G-C.
Other names: c.1411G>C, p.Val471Leu (NM_001385640.1); c.919G>C, p.Val307Leu (NM_152486.4); c.919G>C (NM_152486.2); short protein forms V307L, V471L, V470L.
Identifiers: ClinVar variation 1370132 (VCV001370132.5), dbSNP rs1308223613, ClinGen allele CA337806536.